The following is an entry in ClinVar:

ClinVar aggregate classification (germline): Likely pathogenic (1 of 4 stars; one submission).

Conditions:
Leber congenital amaurosis 4 (LCA4). Identifiers: MedGen C1858386, MONDO:0011458, OMIM 604393.

Submission:

3billion
Classification: Likely pathogenic for Leber congenital amaurosis 4. Last evaluated: 2022-01-03. Review status: criteria provided, single submitter. Criteria: ACMG Guidelines, 2015. Collection method: clinical testing. Allele origin: germline. Affected: yes. Observed: 1 homozygote.
Comment: Frameshift: predicted to result in a loss or disruption of normal protein function through protein truncation. Multiple pathogenic variants are reported in the predicted truncated region (PVS1_S). It is not observed in the gnomAD v2.1.1 dataset (PM2_M). Therefore, this variant is classified as likely pathogenic according to the recommendation of ACMG/AMP guideline.

NM_014336.5(AIPL1):c.963_993dup (p.Thr332fs)

Gene: AIPL1 (AIP like 1 HSP90 co-chaperone; minus strand). Cytogenetic location: 17p13.2.
Variant type: Duplication.
Coding change: c.963_993dup on transcript NM_014336.5 (MANE Select); coding-DNA positions 963 to 993, 31 bases duplicated.
Protein change: p.Thr332fs; shifts the reading frame from threonine 332.
Molecular consequence: frameshift variant. On other transcripts: 3 prime UTR variant (1).
Genome position (GRCh38, 1-based): chr17:6,425,622-6,425,652, 31 bases duplicated. GRCh37 (hg19): chr17:6,328,942-6,328,972.
Other names: c.774_804dup, p.Thr269fs (NM_001033054.3); c.783_813dup, p.Thr272fs (NM_001033055.3); c.927_957dup, p.Thr320fs (NM_001285399.3); c.897_927dup, p.Thr310fs (NM_001285400.3); c.891_921dup, p.Thr308fs (NM_001285401.3); c.846_876dup, p.Thr293fs (NM_001285402.2); c.*934_*964dup (NM_001285403.4); short protein forms T269fs, T272fs, T293fs, T308fs, T310fs, T320fs, T332fs.
Identifiers: ClinVar variation 1333409 (VCV001333409.1), dbSNP rs2150674258, ClinGen allele CA2573054547.
Genomic context (GRCh38, chr17:6,425,621, plus strand): 5'-CAGGTGGCTCTGTGGATGACTGTGCGGGTGGCTCTGTGGGTGGCTCTGCGGGAGGCTGCG[T>TGGCACCCTGGCTCAGCATGTTCCGGCAGCGC]GGCACCCTGGCTCAGCATGTTCCGGCAGCGCAGCCGCTCCTCCTCCTGCTTCTCCGCCAT-3'